The following is an entry in ClinVar:

ClinVar aggregate classification (germline): Pathogenic (1 of 4 stars; one submission).

Allele frequency attached by ClinVar (database versions not stated): ExAC 0.00001; gnomAD exomes 0.00001; gnomAD 0.00002; TOPMed 0.00002; ESP Exome Variant Server 0.00008.
gnomAD v4.1: 13 of 1,600,060 alleles (0.00081%); highest among the groups gnomAD compares: Non-Finnish European, 0.0011%; no homozygotes.

Submission:

Labcorp Genetics (formerly Invitae), Labcorp
Classification: Pathogenic. Last evaluated: 2023-09-08. Review status: criteria provided, single submitter. Criteria: Invitae Variant Classification Sherloc (09022015). Collection method: clinical testing. Allele origin: germline.
Comment: This sequence change creates a premature translational stop signal (p.Gln34*) in the IFNAR1 gene. It is expected to result in an absent or disrupted protein product. Loss-of-function variants in IFNAR1 are known to be pathogenic (PMID: 31270247, 32960813). This variant is present in population databases (rs367718640, gnomAD 0.002%). This variant has not been reported in the literature in individuals affected with IFNAR1-related conditions. For these reasons, this variant has been classified as Pathogenic.

Literature cited by the submitters: PubMed 31270247; PubMed 32960813.

NM_000629.3(IFNAR1):c.100C>T (p.Gln34Ter)

Gene: IFNAR1 (interferon alpha and beta receptor subunit 1; plus strand). Cytogenetic location: 21q22.11.
Variant type: single nucleotide variant.
Coding change: c.100C>T on transcript NM_000629.3 (MANE Select); coding-DNA position 100, C replaced by T.
Protein change: p.Gln34Ter; replaces glutamine 34 with a stop codon.
Molecular consequence: nonsense. On other transcripts: 5 prime UTR variant (3).
Genome position (GRCh38, 1-based): chr21:33,335,547, C>T. VCF-style: chr21-33335547-C-T. GRCh37 (hg19) VCF-style: chr21-34707853-C-T.
Other names: c.100C>T, p.Gln34Ter (NM_001384498.1, NM_001384499.1, NM_001384501.1 and 1 more transcripts); c.-687C>T (NM_001384500.1); c.-284C>T (NM_001384502.1); c.-108C>T (NM_001384504.1); short protein forms Q34*.
Identifiers: ClinVar variation 2991649 (VCV002991649.3), dbSNP rs367718640, ClinGen allele CA10006388.